The following is an entry in ClinVar:

ClinVar aggregate classification (germline): Uncertain significance (1 of 4 stars; one submission).

Conditions:
Hereditary cancer-predisposing syndrome. Also called: Neoplastic Syndromes, Hereditary; Tumor predisposition; Hereditary Cancer Syndrome; Hereditary neoplastic syndrome. Identifiers: Orphanet 140162, MedGen C0027672, MeSH D009386, MONDO:0015356.

Submission:

Ambry Genetics
Classification: Uncertain significance for Hereditary cancer-predisposing syndrome. Last evaluated: 2026-04-28. Review status: criteria provided, single submitter. Criteria: Ambry Variant Classification Scheme 2023. Collection method: clinical testing. Allele origin: germline.
Comment: The p.W1510C variant (also known as c.4530G>T), located in coding exon 29 of the ALK gene, results from a G to T substitution at nucleotide position 4530. The tryptophan at codon 1510 is replaced by cysteine, an amino acid with highly dissimilar properties. This amino acid position is conserved. In addition, this alteration is predicted to be deleterious by in silico analysis. Based on the available evidence, the clinical significance of this variant remains unclear.

NM_004304.5(ALK):c.4530G>T (p.Trp1510Cys)

Gene: ALK (ALK receptor tyrosine kinase; minus strand). Cytogenetic location: 2p23.2.
Variant type: single nucleotide variant.
Coding change: c.4530G>T on transcript NM_004304.5 (MANE Select); coding-DNA position 4530, G replaced by T.
Protein change: p.Trp1510Cys; replaces tryptophan 1510 with cysteine.
Molecular consequence: missense variant.
Genome position (GRCh38, 1-based): chr2:29,193,557, C>A on the plus strand (G>T on the coding strand, the complement: ALK is on the minus strand). VCF-style: chr2-29193557-C-A. GRCh37 (hg19) VCF-style: chr2-29416423-C-A.
Other names: c.1326G>T, p.Trp442Cys (NM_001353765.2); short protein forms W1510C, W442C.
Identifiers: ClinVar variation 4869740 (VCV004869740.1).